The following is an entry in ClinVar:

NM_001370259.2(MEN1):c.1395C>T (p.Ala465=)

Gene: MEN1 (menin 1; minus strand). Cytogenetic location: 11q13.1.
Variant type: single nucleotide variant.
Coding change: c.1395C>T on transcript NM_001370259.2 (MANE Select); coding-DNA position 1395, C replaced by T.
Protein change: p.Ala465=; no amino-acid change (alanine 465 retained).
Molecular consequence: synonymous variant.
Genome position (GRCh38, 1-based): chr11:64,804,772, G>A on the plus strand (C>T on the coding strand, the complement: MEN1 is on the minus strand). VCF-style: chr11-64804772-G-A. GRCh37 (hg19) VCF-style: chr11-64572244-G-A.
Other names: c.1410C>T, p.Ala470= (NM_000244.4, NM_130800.3, NM_130801.3 and 3 more transcripts); c.1521C>T, p.Ala507= (NM_001370251.2); c.1395C>T, p.Ala465= (NM_001370260.2, NM_001370261.2, NM_130799.3); c.1290C>T, p.Ala430= (NM_001370262.2, NM_001370263.2).
Identifiers: ClinVar variation 412585 (VCV000412585.19), dbSNP rs748820252, ClinGen allele CA060618.

ClinVar aggregate classification (germline): Benign/Likely benign. Review status: criteria provided, multiple submitters, no conflicts (2 of 4 stars). 6 submissions from 6 submitters: Benign (1); Likely benign (5). Last evaluated 2025-12-07.

Conditions:
Hereditary cancer-predisposing syndrome. Also called: Neoplastic Syndromes, Hereditary; Tumor predisposition; Hereditary Cancer Syndrome; Hereditary neoplastic syndrome. Identifiers: Orphanet 140162, MedGen C0027672, MeSH D009386, MONDO:0015356.
Multiple endocrine neoplasia, type 1 (MEN1). Also called: MEN I; WERMER SYNDROME; Endocrine adenomatosis multiple; MEN 1; MEA I. Identifiers: Orphanet 652, MedGen C0025267, MeSH D018761, MONDO:0007540, OMIM 131100.

Allele frequency attached by ClinVar (database versions not stated): ExAC 0.00001; gnomAD 0.00001; TOPMed 0.00003; gnomAD exomes 0.00004.

Submissions (6):

Labcorp Genetics (formerly Invitae), Labcorp
Classification: Likely benign for Multiple endocrine neoplasia, type 1. Last evaluated: 2025-12-07. Review status: criteria provided, single submitter. Criteria: Invitae Variant Classification Sherloc (09022015). Collection method: clinical testing. Allele origin: germline.

Myriad Genetics, Inc.
Classification: Benign for Multiple endocrine neoplasia, type 1. Last evaluated: 2024-11-05. Review status: criteria provided, single submitter. Criteria: Myriad Autosomal Dominant, Autosomal Recessive and X-Linked Classification Criteria (2023). Collection method: clinical testing. Allele origin: unknown.
Comment: This variant is considered benign. This variant is a silent/synonymous amino acid change and it is not expected to impact splicing.

All of Us Research Program, National Institutes of Health
Classification: Likely benign for Multiple endocrine neoplasia, type 1. Last evaluated: 2023-11-02. Review status: criteria provided, single submitter. Criteria: ACMG Guidelines, 2015. Collection method: clinical testing. Allele origin: germline. Inheritance: Autosomal dominant inheritance. Observed: 5 variant alleles, 5 heterozygotes.
Comment: This study involves interpretation of variants in research participants for the purpose of population health screening. Participant phenotype was not available at the time of variant classification. Additional details can be found in publication PMID: 35346344, PMCID: PMC8962531

Blueprint Genetics
Classification: Likely benign. Last evaluated: 2023-08-24. Review status: criteria provided, single submitter. Criteria: ACMG Guidelines, 2015. Collection method: clinical testing. Allele origin: germline.

Color Diagnostics, LLC DBA Color Health
Classification: Likely benign for Multiple endocrine neoplasia, type 1. Last evaluated: 2022-11-06. Review status: criteria provided, single submitter. Criteria: ACMG Guidelines, 2015. Collection method: clinical testing. Allele origin: germline.

Ambry Genetics
Classification: Likely benign for Hereditary cancer-predisposing syndrome. Last evaluated: 2017-03-22. Review status: criteria provided, single submitter. Criteria: Ambry Variant Classification Scheme 2023. Collection method: clinical testing. Allele origin: germline.